The following is an entry in ClinVar:

NM_014476.6(PDLIM3):c.131G>A (p.Cys44Tyr)

Gene: PDLIM3 (PDZ and LIM domain 3; minus strand). Cytogenetic location: 4q35.1.
Variant type: single nucleotide variant.
Coding change: c.131G>A on transcript NM_014476.6 (MANE Select); coding-DNA position 131, G replaced by A.
Protein change: p.Cys44Tyr; replaces cysteine 44 with tyrosine.
Molecular consequence: missense variant. On other transcripts: non-coding transcript variant (1), intron variant (1).
Genome position (GRCh38, 1-based): chr4:185,525,134, C>T on the plus strand (G>A on the coding strand, the complement: PDLIM3 is on the minus strand). VCF-style: chr4-185525134-C-T. GRCh37 (hg19) VCF-style: chr4-186446288-C-T.
Other names: c.131G>A, p.Cys44Tyr (NM_001114107.5, NM_001257962.2); c.93+10208G>A (NM_001257963.2); short protein forms C44Y.
Identifiers: ClinVar variation 1011044 (VCV001011044.7), dbSNP rs2095730947, ClinGen allele CA358929683.

ClinVar aggregate classification (germline): Uncertain significance (1 of 4 stars; one submission).

Conditions:
Hypertrophic cardiomyopathy. Also called: HYPERTROPHIC MYOCARDIOPATHY. Identifiers: Orphanet 217569, MedGen C0007194, MeSH D002312, MONDO:0005045, HP:0001639.
Primary dilated cardiomyopathy (DCM). Also called: Dilated Cardiomyopathy. Identifiers: Orphanet 217604, MedGen C0007193, MeSH D002311, MONDO:0005021, HP:0001644. Inheritance: Various modes of inheritance.

gnomAD v4.1: 2 of 1,614,182 alleles (0.00012%); highest among the groups gnomAD compares: Non-Finnish European, 0.00017%; no homozygotes.

Submission:

Labcorp Genetics (formerly Invitae), Labcorp
Classification: Uncertain significance for Hypertrophic cardiomyopathy; Primary dilated cardiomyopathy. Last evaluated: 2022-09-27. Review status: criteria provided, single submitter. Criteria: Invitae Variant Classification Sherloc (09022015). Collection method: clinical testing. Allele origin: germline.
Comment: This variant is not present in population databases (gnomAD no frequency). This sequence change replaces cysteine, which is neutral and slightly polar, with tyrosine, which is neutral and polar, at codon 44 of the PDLIM3 protein (p.Cys44Tyr). This variant has not been reported in the literature in individuals affected with PDLIM3-related conditions. In summary, the available evidence is currently insufficient to determine the role of this variant in disease. Therefore, it has been classified as a Variant of Uncertain Significance. Advanced modeling of protein sequence and biophysical properties (such as structural, functional, and spatial information, amino acid conservation, physicochemical variation, residue mobility, and thermodynamic stability) performed at Invitae indicates that this missense variant is not expected to disrupt PDLIM3 protein function. ClinVar contains an entry for this variant (Variation ID: 1011044).